The following is an entry in ClinVar:

NM_001303256.3(MORC2):c.1949C>T (p.Thr650Ile)

Gene: MORC2 (MORC family CW-type zinc finger 2; minus strand). Cytogenetic location: 22q12.2.
Variant type: single nucleotide variant.
Coding change: c.1949C>T on transcript NM_001303256.3 (MANE Select); coding-DNA position 1949, C replaced by T.
Protein change: p.Thr650Ile; replaces threonine 650 with isoleucine.
Molecular consequence: missense variant.
Genome position (GRCh38, 1-based): chr22:30,935,025, G>A on the plus strand (C>T on the coding strand, the complement: MORC2 is on the minus strand). VCF-style: chr22-30935025-G-A. GRCh37 (hg19) VCF-style: chr22-31331012-G-A.
Other names: c.1949C>T, p.Thr650Ile (NM_001303257.2); c.1763C>T, p.Thr588Ile (NM_014941.3); short protein forms T650I, T588I.
Identifiers: ClinVar variation 542291 (VCV000542291.14), dbSNP rs371710965, ClinGen allele CA10186798.

ClinVar aggregate classification (germline): Uncertain significance. Review status: criteria provided, multiple submitters, no conflicts (2 of 4 stars). 2 submissions from 2 submitters: Uncertain significance (2). Last evaluated 2024-12-17.

Conditions:
Inborn genetic diseases. Identifiers: MedGen C0950123, MeSH D030342.
Charcot-Marie-Tooth disease axonal type 2Z. Also called: CHARCOT-MARIE-TOOTH DISEASE, AXONAL, AUTOSOMAL DOMINANT, TYPE 2Z; CHARCOT-MARIE-TOOTH NEUROPATHY, TYPE 2Z. Identifiers: Orphanet 466768, MedGen C5569025, MONDO:0014736, OMIM 616688.

Allele frequency attached by ClinVar (database versions not stated): gnomAD exomes 0.00003; TOPMed 0.00003; gnomAD 0.00004 and 0.00003; ExAC 0.00002; ESP Exome Variant Server 0.00008.
gnomAD v4.1: 250 of 1,613,982 alleles (0.015%); highest among the groups gnomAD compares: Non-Finnish European, 0.021%; no homozygotes.

Submissions (2):

Labcorp Genetics (formerly Invitae), Labcorp
Classification: Uncertain significance for Charcot-Marie-Tooth disease axonal type 2Z. Last evaluated: 2024-12-17. Review status: criteria provided, single submitter. Criteria: Invitae Variant Classification Sherloc (09022015). Collection method: clinical testing. Allele origin: germline.
Comment: This sequence change replaces threonine, which is neutral and polar, with isoleucine, which is neutral and non-polar, at codon 650 of the MORC2 protein (p.Thr650Ile). This variant is present in population databases (rs371710965, gnomAD 0.006%). This variant has not been reported in the literature in individuals affected with MORC2-related conditions. ClinVar contains an entry for this variant (Variation ID: 542291). Invitae Evidence Modeling of protein sequence and biophysical properties (such as structural, functional, and spatial information, amino acid conservation, physicochemical variation, residue mobility, and thermodynamic stability) indicates that this missense variant is not expected to disrupt MORC2 protein function with a negative predictive value of 80%. In summary, the available evidence is currently insufficient to determine the role of this variant in disease. Therefore, it has been classified as a Variant of Uncertain Significance.

Ambry Genetics
Classification: Uncertain significance for Inborn genetic diseases. Last evaluated: 2021-02-24. Review status: criteria provided, single submitter. Criteria: Ambry Variant Classification Scheme 2023. Collection method: clinical testing. Allele origin: germline.
Comment: The p.T650I variant (also known as c.1949C>T), located in coding exon 19 of the MORC2 gene, results from a C to T substitution at nucleotide position 1949. The threonine at codon 650 is replaced by isoleucine, an amino acid with similar properties. This amino acid position is not well conserved in available vertebrate species. In addition, this alteration is predicted to be tolerated by in silico analysis. Since supporting evidence is limited at this time, the clinical significance of this alteration remains unclear.